The following is an entry in ClinVar:

ClinVar aggregate classification (germline): Pathogenic. Review status: criteria provided, multiple submitters, no conflicts (2 of 4 stars). 2 submissions from 2 submitters: Pathogenic (2). Last evaluated 2024-06-10.

Conditions:
Mitochondrial complex II deficiency, nuclear type 1. Also called: SUCCINATE CoQ REDUCTASE DEFICIENCY. Identifiers: Orphanet 3208, MedGen C5700310, MONDO:0100294, OMIM 252011.
Pheochromocytoma/paraganglioma syndrome 5. Also called: Paragangliomas 5; SDHA-Related Hereditary Paraganglioma-Pheochromocytoma Syndrome. Identifiers: Orphanet 29072, MedGen C3279992, MONDO:0013602, OMIM 614165.
Hereditary cancer-predisposing syndrome. Also called: Neoplastic Syndromes, Hereditary; Tumor predisposition; Hereditary Cancer Syndrome; Hereditary neoplastic syndrome. Identifiers: Orphanet 140162, MedGen C0027672, MeSH D009386, MONDO:0015356.

Submissions (2):

Ambry Genetics
Classification: Pathogenic for Hereditary cancer-predisposing syndrome. Last evaluated: 2024-06-10. Review status: criteria provided, single submitter. Criteria: Ambry Variant Classification Scheme 2023. Collection method: clinical testing. Allele origin: germline.
Comment: The c.1477_1478delGT pathogenic mutation, located in coding exon 11 of the SDHA gene, results from a deletion of two nucleotides at nucleotide positions 1477 to 1478, causing a translational frameshift with a predicted alternate stop codon (p.V493Hfs*4). This variant has been observed in at least one individual with a personal and/or family history that is consistent with SDHA-related paraganglioma-pheochromocytoma syndrome (Ambry internal data). This variant is considered to be rare based on population cohorts in the Genome Aggregation Database (gnomAD). This alteration is expected to result in loss of function by premature protein truncation or nonsense-mediated mRNA decay. As such, this alteration is interpreted as a disease-causing mutation.

Labcorp Genetics (formerly Invitae), Labcorp
Classification: Pathogenic for Pheochromocytoma/paraganglioma syndrome 5; Mitochondrial complex II deficiency, nuclear type 1. Last evaluated: 2023-05-18. Review status: criteria provided, single submitter. Criteria: Invitae Variant Classification Sherloc (09022015). Collection method: clinical testing. Allele origin: germline.
Comment: For these reasons, this variant has been classified as Pathogenic. This variant has not been reported in the literature in individuals affected with SDHA-related conditions. This variant is not present in population databases (gnomAD no frequency). This sequence change creates a premature translational stop signal (p.Val493Hisfs*4) in the SDHA gene. It is expected to result in an absent or disrupted protein product. Loss-of-function variants in SDHA are known to be pathogenic (PMID: 22974104, 24781757).

Literature cited by the submitters: PubMed 22974104 (cited by Labcorp Genetics (formerly Invitae), Labcorp); PubMed 24781757 (cited by Labcorp Genetics (formerly Invitae), Labcorp).

NM_004168.4(SDHA):c.1477_1478del (p.Val493fs)

Gene: SDHA (succinate dehydrogenase complex flavoprotein subunit A; plus strand). Cytogenetic location: 5p15.33.
Variant type: Deletion.
Coding change: c.1477_1478del on transcript NM_004168.4 (MANE Select); coding-DNA positions 1477 to 1478, 2 bases deleted (GT; older notation c.1477_1478delGT).
Protein change: p.Val493fs; shifts the reading frame from valine 493.
Molecular consequence: frameshift variant.
Genome position (GRCh38, 1-based): chr5:240,402-240,403, GT deleted; deleting any 2 consecutive bases within chr5:240,401-240,403 gives the same sequence; the c. name uses the placement nearest the transcript's 3' end. VCF-style (leftmost placement, unchanged base first): chr5-240400-CTG-C. GRCh37 (hg19) VCF-style: chr5-240515-CTG-C.
Other names: c.1477_1478delGT (NM_004168.2); c.1333_1334del, p.Val445fs (NM_001294332.2); c.1477_1478del, p.Val493fs (NM_001330758.2); short protein forms V445fs, V493fs.
Identifiers: ClinVar variation 2941141 (VCV002941141.4), dbSNP rs2477397873, ClinGen allele CA2740091645.
Genomic context (GRCh38, chr5:240,400, plus strand): 5'-AGCTTTTTTTTGTTTTAGGAGATAAAGTCCCTCCAATTAAACCAAACGCTGGGGAAGAAT[CTG>C]TCATGAATCTTGACAAATTGAGATTTGCTGATGGAAGCATAAGAACATCGGAACTGCGAC-3'